The following is an entry in ClinVar:

NM_173598.6(KSR2):c.1396C>T (p.Pro466Ser)

Gene: KSR2 (kinase suppressor of ras 2; minus strand). Cytogenetic location: 12q24.22.
Variant type: single nucleotide variant.
Coding change: c.1396C>T on transcript NM_173598.6 (MANE Select); coding-DNA position 1396, C replaced by T.
Protein change: p.Pro466Ser; replaces proline 466 with serine.
Molecular consequence: missense variant.
Genome position (GRCh38, 1-based): chr12:117,555,291, G>A on the plus strand (C>T on the coding strand, the complement: KSR2 is on the minus strand). VCF-style: chr12-117555291-G-A. GRCh37 (hg19) VCF-style: chr12-117993096-G-A.
Other names: short protein forms P466S.
Identifiers: ClinVar variation 3349638 (VCV003349638.1).

ClinVar aggregate classification (germline): Uncertain significance (0 of 4 stars; one submission).

Conditions:
KSR2-related disorder. Also called: KSR2-related condition.

Submission:

PreventionGenetics, part of Exact Sciences
Classification: Uncertain significance for KSR2-related condition. Last evaluated: 2024-03-21. Review status: no assertion criteria provided. Collection method: clinical testing. Allele origin: germline.
Comment: The KSR2 c.1309C>T variant is predicted to result in the amino acid substitution p.Pro437Ser. To our knowledge, this variant has not been reported in the literature or in a large population database, indicating this variant is rare. At this time, the clinical significance of this variant is uncertain due to the absence of conclusive functional and genetic evidence.